The following is an entry in ClinVar:

NM_181507.2(HPS5):c.586C>T (p.Arg196Ter)

Gene: HPS5 (HPS5 biogenesis of lysosomal organelles complex 2 subunit 2; minus strand). Cytogenetic location: 11p15.1.
Variant type: single nucleotide variant.
Coding change: c.586C>T on transcript NM_181507.2 (MANE Select); coding-DNA position 586, C replaced by T.
Protein change: p.Arg196Ter; replaces arginine 196 with a stop codon.
Molecular consequence: nonsense.
Genome position (GRCh38, 1-based): chr11:18,308,971, G>A on the plus strand (C>T on the coding strand, the complement: HPS5 is on the minus strand). VCF-style: chr11-18308971-G-A. GRCh37 (hg19) VCF-style: chr11-18330518-G-A.
Other names: c.244C>T, p.Arg82Ter (NM_007216.4, NM_181508.2); short protein forms R196*, R82*.
Identifiers: ClinVar variation 2016192 (VCV002016192.4), dbSNP rs1862663739, ClinGen allele CA379503721.

ClinVar aggregate classification (germline): Pathogenic (1 of 4 stars; one submission).

Allele frequency attached by ClinVar (database versions not stated): gnomAD exomes below 0.00001.
gnomAD v4.1: 3 of 1,613,980 alleles (0.00019%); highest among the groups gnomAD compares: Non-Finnish European, 0.00017%; no homozygotes.

Submission:

Labcorp Genetics (formerly Invitae), Labcorp
Classification: Pathogenic. Last evaluated: 2023-01-14. Review status: criteria provided, single submitter. Criteria: Invitae Variant Classification Sherloc (09022015). Collection method: clinical testing. Allele origin: germline.
Comment: For these reasons, this variant has been classified as Pathogenic. This variant has not been reported in the literature in individuals affected with HPS5-related conditions. This variant is not present in population databases (gnomAD no frequency). This sequence change creates a premature translational stop signal (p.Arg196*) in the HPS5 gene. It is expected to result in an absent or disrupted protein product. Loss-of-function variants in HPS5 are known to be pathogenic (PMID: 12548288, 15296495, 21833017, 26785811).

Literature cited by the submitters: PubMed 12548288; PubMed 15296495; PubMed 21833017; PubMed 26785811.